The following is an entry in ClinVar:

ClinVar aggregate classification (germline): Uncertain significance. Review status: criteria provided, multiple submitters, no conflicts (2 of 4 stars). 3 submissions from 3 submitters: Uncertain significance (3). Last evaluated 2025-02-05.

Allele frequency attached by ClinVar (database versions not stated): gnomAD exomes 0.00003; gnomAD 0.00024 and 0.00026; TOPMed 0.00029.
gnomAD v4.1: 81 of 1,545,506 alleles (0.0052%); highest among the groups gnomAD compares: African/African-American, 0.099%; no homozygotes.

Submissions (3):

Ambry Genetics
Classification: Uncertain significance. Last evaluated: 2025-02-05. Review status: criteria provided, single submitter. Criteria: Ambry Variant Classification Scheme 2023. Collection method: clinical testing. Allele origin: germline.

Labcorp Genetics (formerly Invitae), Labcorp
Classification: Uncertain significance. Last evaluated: 2022-08-21. Review status: criteria provided, single submitter. Criteria: Invitae Variant Classification Sherloc (09022015). Collection method: clinical testing. Allele origin: germline.
Comment: This sequence change replaces alanine, which is neutral and non-polar, with threonine, which is neutral and polar, at codon 910 of the CTDP1 protein (p.Ala910Thr). This variant is present in population databases (rs752001166, gnomAD 0.07%). This variant has not been reported in the literature in individuals affected with CTDP1-related conditions. ClinVar contains an entry for this variant (Variation ID: 1211664). Algorithms developed to predict the effect of missense changes on protein structure and function output the following: SIFT: "Tolerated"; PolyPhen-2: "Benign"; Align-GVGD: "Class C0". The threonine amino acid residue is found in multiple mammalian species, which suggests that this missense change does not adversely affect protein function. In summary, the available evidence is currently insufficient to determine the role of this variant in disease. Therefore, it has been classified as a Variant of Uncertain Significance.

GeneDx
Classification: Uncertain significance. Last evaluated: 2021-07-13. Review status: criteria provided, single submitter. Criteria: GeneDx Variant Classification Process June 2021. Collection method: clinical testing. Allele origin: germline. Affected: yes.
Comment: Has not been previously published as pathogenic or benign to our knowledge; In silico analysis supports that this missense variant does not alter protein structure/function; This variant is associated with the following publications: (PMID: 27535533)

NM_004715.5(CTDP1):c.2728G>A (p.Ala910Thr)

Gene: CTDP1 (CTD phosphatase subunit 1; plus strand). Cytogenetic location: 18q23.
Variant type: single nucleotide variant.
Coding change: c.2728G>A on transcript NM_004715.5 (MANE Select); coding-DNA position 2728, G replaced by A.
Protein change: p.Ala910Thr; replaces alanine 910 with threonine.
Molecular consequence: missense variant. On other transcripts: synonymous variant (1), intron variant (1).
Genome position (GRCh38, 1-based): chr18:79,736,502, G>A. VCF-style: chr18-79736502-G-A. GRCh37 (hg19) VCF-style: chr18-77496502-G-A.
Other names: c.2371G>A, p.Ala791Thr (NM_001202504.1); c.2565G>A, p.Arg855= (NM_048368.4); c.2580+7433G>A (NM_001318511.2); short protein forms A791T, A910T.
Identifiers: ClinVar variation 1211664 (VCV001211664.7), dbSNP rs752001166, ClinGen allele CA9010684.